The following is an entry in ClinVar:

ClinVar aggregate classification (germline): Uncertain significance (1 of 4 stars; one submission).

Conditions:
Familial thoracic aortic aneurysm and aortic dissection (TAAD). Also called: Thoracic aortic aneurysms and dissections. Identifiers: Orphanet 91387, MedGen C4707243, MONDO:0019625.

Submission:

Ambry Genetics
Classification: Uncertain significance for Familial thoracic aortic aneurysm and aortic dissection. Last evaluated: 2026-05-28. Review status: criteria provided, single submitter. Criteria: Ambry Variant Classification Scheme 2023. Collection method: clinical testing. Allele origin: germline.
Comment: The p.S1320N variant (also known as c.3959G>A), located in coding exon 49 of the COL3A1 gene, results from a G to A substitution at nucleotide position 3959. The serine at codon 1320 is replaced by asparagine, an amino acid with highly similar properties. This amino acid position is conserved. In addition, this alteration is predicted to be tolerated by in silico analysis. Based on the available evidence, the clinical significance of this variant remains unclear.

NM_000090.4(COL3A1):c.3959G>A (p.Ser1320Asn)

Gene: COL3A1 (collagen type III alpha 1 chain; plus strand). Cytogenetic location: 2q32.2.
Variant type: single nucleotide variant.
Coding change: c.3959G>A on transcript NM_000090.4 (MANE Select); coding-DNA position 3959, G replaced by A.
Protein change: p.Ser1320Asn; replaces serine 1320 with asparagine.
Molecular consequence: missense variant.
Genome position (GRCh38, 1-based): chr2:189,010,313, G>A. VCF-style: chr2-189010313-G-A. GRCh37 (hg19) VCF-style: chr2-189875039-G-A.
Other names: short protein forms S1320N.
Identifiers: ClinVar variation 4869174 (VCV004869174.1).